The following is an entry in ClinVar:

NM_153033.5(KCTD7):c.61T>G (p.Ser21Ala)

Genes: KCTD7 (potassium channel tetramerization domain containing 7; plus strand), LOC129998533 (ATAC-STARR-seq lymphoblastoid silent region 18210; plus strand). Cytogenetic location: 7q11.21.
Variant type: single nucleotide variant.
Coding change: c.61T>G on transcript NM_153033.5 (MANE Select); coding-DNA position 61, T replaced by G.
Protein change: p.Ser21Ala; replaces serine 21 with alanine.
Molecular consequence: missense variant.
Genome position (GRCh38, 1-based): chr7:66,629,125, T>G. VCF-style: chr7-66629125-T-G. GRCh37 (hg19) VCF-style: chr7-66094112-T-G.
Other names: c.61T>G, p.Ser21Ala (NM_001167961.2); short protein forms S21A.
Identifiers: ClinVar variation 804972 (VCV000804972.7), dbSNP rs753471689, ClinGen allele CA4278152.

ClinVar aggregate classification (germline): Uncertain significance. Review status: criteria provided, multiple submitters, no conflicts (2 of 4 stars). 3 submissions from 3 submitters: Uncertain significance (3). Last evaluated 2024-12-11.

Conditions:
Inborn genetic diseases. Identifiers: MedGen C0950123, MeSH D030342.
Progressive myoclonic epilepsy type 3. Also called: KCTD7-Related Progressive Myoclonic Epilepsy; EPILEPSY, PROGRESSIVE MYOCLONIC, 3, WITHOUT INTRACELLULAR INCLUSIONS; EPILEPSY, PROGRESSIVE MYOCLONIC, 3, WITH OR WITHOUT INTRACELLULAR INCLUSIONS; CEROID LIPOFUSCINOSIS, NEURONAL, 14. Identifiers: Orphanet 263516, MedGen C2673257, MONDO:0012721, OMIM 611726.

Allele frequency attached by ClinVar (database versions not stated): gnomAD 0.00001; gnomAD exomes 0.00001; ExAC 0.00002; TOPMed 0.00002.
gnomAD v4.1: 22 of 1,537,864 alleles (0.0014%); highest among the groups gnomAD compares: Non-Finnish European, 0.0018%; no homozygotes.

Submissions (3):

Ambry Genetics
Classification: Uncertain significance for Inborn genetic diseases. Last evaluated: 2024-12-11. Review status: criteria provided, single submitter. Criteria: Ambry Variant Classification Scheme 2023. Collection method: clinical testing. Allele origin: germline.

Labcorp Genetics (formerly Invitae), Labcorp
Classification: Uncertain significance for Progressive myoclonic epilepsy type 3. Last evaluated: 2022-06-27. Review status: criteria provided, single submitter. Criteria: Invitae Variant Classification Sherloc (09022015). Collection method: clinical testing. Allele origin: germline.
Comment: This sequence change replaces serine, which is neutral and polar, with alanine, which is neutral and non-polar, at codon 21 of the KCTD7 protein (p.Ser21Ala). This variant is present in population databases (rs753471689, gnomAD 0.003%). This variant has not been reported in the literature in individuals affected with KCTD7-related conditions. ClinVar contains an entry for this variant (Variation ID: 804972). Algorithms developed to predict the effect of missense changes on protein structure and function (SIFT, PolyPhen-2, Align-GVGD) all suggest that this variant is likely to be tolerated. In summary, the available evidence is currently insufficient to determine the role of this variant in disease. Therefore, it has been classified as a Variant of Uncertain Significance.

Athena Diagnostics
Classification: Uncertain significance. Last evaluated: 2019-01-07. Review status: criteria provided, single submitter. Criteria: Athena Diagnostics Criteria. Collection method: clinical testing. Allele origin: germline.